The following is an entry in ClinVar:

NM_000474.4(TWIST1):c.277dup (p.Ser93fs)

Gene: TWIST1 (twist family bHLH transcription factor 1; minus strand). Cytogenetic location: 7p21.1.
Variant type: Duplication.
Coding change: c.277dup on transcript NM_000474.4 (MANE Select); coding-DNA position 277, one base duplicated (A; older notation c.277dupA).
Protein change: p.Ser93fs; shifts the reading frame from serine 93.
Molecular consequence: frameshift variant. On other transcripts: non-coding transcript variant (1).
Genome position (GRCh38, 1-based): chr7:19,117,045, T duplicated on the plus strand (A on the coding strand, the reverse complement: TWIST1 is on the minus strand). VCF-style (leftmost placement, unchanged base first): chr7-19117044-C-CT. GRCh37 (hg19) VCF-style: chr7-19156667-C-CT.
Other names: c.277dupA (NM_000474.3); short protein forms S93fs.
Identifiers: ClinVar variation 648741 (VCV000648741.8), dbSNP rs1585617402, ClinGen allele CA915944885.
Genomic context (GRCh38, chr7:19,117,044, plus strand): 5'-GCCATGACCCGCTGCGTCTGCAGCTCCTCGTAAGACTGCGGACTCCCGCCGCCGCTGCTG[C>CT]TGCCGCCGCCGCCGCCCGCGCCGCCGCCGCCGCCACAGCCCGCAGACTTCTTGCCGCGCT-3'

ClinVar aggregate classification (germline): Pathogenic (1 of 4 stars; one submission).

Conditions:
Saethre-Chotzen syndrome (SCS). Also called: ACROCEPHALY, SKULL ASYMMETRY, AND MILD SYNDACTYLY; ACS III; CHOTZEN SYNDROME. Identifiers: Orphanet 794, MedGen C0175699, MONDO:0007042, OMIM 101400.
TWIST1-related craniosynostosis (CRS1). Also called: CRANIOSYNOSTOSIS 1. Identifiers: Orphanet 63440, MedGen C4551902, MONDO:0007399, OMIM 123100. Inheritance: Heterogenous inheritance pattern.

Submission:

Labcorp Genetics (formerly Invitae), Labcorp
Classification: Pathogenic for TWIST1-related craniosynostosis; Saethre-Chotzen syndrome. Last evaluated: 2018-09-06. Review status: criteria provided, single submitter. Criteria: Invitae Variant Classification Sherloc (09022015). Collection method: clinical testing. Allele origin: germline.
Comment: This variant has not been reported in the literature in individuals with TWIST1-related disease. For these reasons, this variant has been classified as Pathogenic. This sequence change results in a frameshift in the TWIST1 gene (p.Ser93Lysfs*145). While this is not anticipated to result in nonsense mediated decay, it is expected to disrupt the last 110 amino acids of the TWIST1 protein and extend the protein by an additional 35 amino acids. The frequency data for this variant in the population databases is considered unreliable, as metrics indicate insufficient coverage at this position in the ExAC database. This variant results in an extension of the TWIST1 protein. Other variant(s) that result in a similarly extended protein product (p.Thr137Hisfs*101) have been determined to be pathogenic (24127277, Invitae). This suggests that these extensions are likely to be causative of disease.